The following is an entry in ClinVar:

ClinVar aggregate classification (germline): Uncertain significance (1 of 4 stars; one submission).

Submission:

Labcorp Genetics (formerly Invitae), Labcorp
Classification: Uncertain significance. Last evaluated: 2024-10-15. Review status: criteria provided, single submitter. Criteria: Invitae Variant Classification Sherloc (09022015). Collection method: clinical testing. Allele origin: germline.
Comment: This variant, c.558_560del, results in the deletion of 1 amino acid(s) of the PDE6B protein (p.Val187del), but otherwise preserves the integrity of the reading frame. This variant is not present in population databases (gnomAD no frequency). This variant has been observed in individual(s) with retinitis pigmentosa (internal data). In at least one individual the data is consistent with being in trans (on the opposite chromosome) from a pathogenic variant. Experimental studies and prediction algorithms are not available or were not evaluated, and the functional significance of this variant is currently unknown. In summary, the available evidence is currently insufficient to determine the role of this variant in disease. Therefore, it has been classified as a Variant of Uncertain Significance.

NM_000283.4(PDE6B):c.555CGT[1] (p.Val187del)

Gene: PDE6B (phosphodiesterase 6B; plus strand). Cytogenetic location: 4p16.3.
Variant type: Microsatellite.
Coding change: c.555CGT[1] on transcript NM_000283.4 (MANE Select); one copy of the 3-base unit CGT starting at c.555; the reference has two copies in a row; one copy, 3 bases deleted.
Protein change: p.Val187del; deletes valine 187.
Molecular consequence: inframe deletion.
Genome position (GRCh38, 1-based): chr4:634,766-634,768, CGT deleted; deleting any 3 consecutive bases within chr4:634,763-634,768 gives the same sequence; the position shown is the placement nearest the transcript's 3' end. VCF-style (leftmost placement, unchanged base first): chr4-634762-ACGT-A. GRCh37 (hg19) VCF-style: chr4-628551-ACGT-A.
Other names: c.555CGT[1], p.Val187del (NM_001145291.2); short protein forms V187del.
Identifiers: ClinVar variation 1376065 (VCV001376065.6), dbSNP rs2109133264, ClinGen allele CA2578009246.